The following is an entry in ClinVar:

ClinVar aggregate classification (germline): Uncertain significance (0 of 4 stars; one submission).

Conditions:
TTC28-related disorder. Also called: TTC28-related condition.

Submission:

PreventionGenetics, part of Exact Sciences
Classification: Uncertain significance for TTC28-related condition. Last evaluated: 2024-04-05. Review status: no assertion criteria provided. Collection method: clinical testing. Allele origin: germline.
Comment: The TTC28 c.4342G>A variant is predicted to result in the amino acid substitution p.Glu1448Lys. To our knowledge, this variant has not been reported in the literature or in a large population database, indicating this variant is rare. At this time, the clinical significance of this variant is uncertain due to the absence of conclusive functional and genetic evidence.

NM_001145418.2(TTC28):c.4342G>A (p.Glu1448Lys)

Genes: TTC28 (tetratricopeptide repeat domain 28; minus strand), TTC28-AS1 (TTC28 antisense RNA 1; plus strand). Cytogenetic location: 22q12.1.
Variant type: single nucleotide variant.
Coding change: c.4342G>A on transcript NM_001145418.2 (MANE Select); coding-DNA position 4342, G replaced by A.
Protein change: p.Glu1448Lys; replaces glutamic acid 1448 with lysine.
Molecular consequence: missense variant. On other transcripts: non-coding transcript variant (1).
Genome position (GRCh38, 1-based): chr22:28,001,430, C>T on the plus strand (G>A on the coding strand, the complement: TTC28 is on the minus strand). VCF-style: chr22-28001430-C-T. GRCh37 (hg19) VCF-style: chr22-28397418-C-T.
Other names: c.4342G>A, p.Glu1448Lys (NM_001393403.1); c.3988G>A, p.Glu1330Lys (NM_001393404.1, NM_001393405.1); short protein forms E1330K, E1448K.
Identifiers: ClinVar variation 3355621 (VCV003355621.1).
Genomic context (GRCh38, chr22:28,001,430, plus strand): 5'-TTACCTTGGACTGCACGCTGAGGGAGCGGATGGAAGGGACAGCAAGGAGGCCGAAGCGCT[C>T]GTAGAGGTACTCATTGGAGGAGCTTCCCTTCAGGAGGGCGAAAGGAATGAGGTAGAGCTC-3'
Protein context (NP_001138890.1, residues 1438-1458): KGSSSNEYLY[Glu1448Lys]RFGLLAVPSI